The following is an entry in ClinVar:

ClinVar aggregate classification (germline): Uncertain significance (1 of 4 stars; one submission).

gnomAD v4.1: 2 of 1,613,946 alleles (0.00012%); highest among the groups gnomAD compares: Non-Finnish European, 0.00017%; no homozygotes.

Submission:

Mayo Clinic Laboratories, Mayo Clinic
Classification: Uncertain significance. Last evaluated: 2025-09-04. Review status: criteria provided, single submitter. Criteria: ACMG Guidelines, 2015. Collection method: clinical testing. Allele origin: germline. Observed: 1 variant allele.
Comment: BP4_moderate, PM2_supporting

NM_002661.5(PLCG2):c.2647G>A (p.Asp883Asn)

Gene: PLCG2 (phospholipase C gamma 2; plus strand). Cytogenetic location: 16q23.3.
Variant type: single nucleotide variant.
Coding change: c.2647G>A on transcript NM_002661.5 (MANE Select); coding-DNA position 2647, G replaced by A.
Protein change: p.Asp883Asn; replaces aspartic acid 883 with asparagine.
Molecular consequence: missense variant.
Genome position (GRCh38, 1-based): chr16:81,931,562, G>A. VCF-style: chr16-81931562-G-A. GRCh37 (hg19) VCF-style: chr16-81965167-G-A.
Other names: p.Asp883Asn; c.2647G>A, p.Asp883Asn (NM_001425749.1, NM_001425750.1, NM_001425751.1); short protein forms D883N.
Identifiers: ClinVar variation 4542048 (VCV004542048.1).